The following is an entry in ClinVar:

ClinVar aggregate classification (germline): Pathogenic (3 of 4 stars; one submission).

Conditions:
Breast-ovarian cancer, familial, susceptibility to, 1 (BROVCA1). Also called: BRCA1 Hereditary Breast and Ovarian Cancer; OVARIAN CANCER, SUSCEPTIBILITY TO. Identifiers: Orphanet 145, MedGen C2676676, MONDO:0011450, OMIM 604370. Disease mechanism: loss of function.

Submission:

Evidence-based Network for the Interpretation of Germline Mutant Alleles (ENIGMA)
Classification: Pathogenic for Breast-ovarian cancer, familial, susceptibility to, 1. Last evaluated: 2016-10-18. Review status: reviewed by expert panel. Criteria: ENIGMA BRCA1/2 Classification Criteria (2015). Collection method: curation. Allele origin: germline.
Comment: Variant allele predicted to encode a truncated non-functional protein.

NM_007294.4(BRCA1):c.3006_3009del (p.Asn1002fs)

Gene: BRCA1 (BRCA1 DNA repair associated; minus strand). Cytogenetic location: 17q21.31.
Variant type: Deletion.
Coding change: c.3006_3009del on transcript NM_007294.4 (MANE Select); coding-DNA positions 3006 to 3009, 4 bases deleted (CTTT; older notation c.3006_3009delCTTT).
Protein change: p.Asn1002fs; shifts the reading frame from asparagine 1002.
Molecular consequence: frameshift variant. On other transcripts: intron variant (137).
Genome position (GRCh38, 1-based): chr17:43,092,522-43,092,525, AAAG deleted on the plus strand (CTTT on the coding strand, the reverse complement: BRCA1 is on the minus strand). VCF-style (leftmost placement, unchanged base first): chr17-43092521-CAAAG-C. GRCh37 (hg19) VCF-style: chr17-41244538-CAAAG-C.
Other names: 3125_3128delCTTT; c.2997_3000del, p.Asn999fs (NM_001407647.1, NM_001407646.1); c.2883_2886del, p.Asn961fs (NM_001407648.1, NM_001407674.1, NM_001407675.1 and 19 more transcripts); c.2880_2883del, p.Asn960fs (NM_001407649.1, NM_001407672.1, NM_001407673.1 and 11 more transcripts); c.3006_3009del, p.Asn1002fs (NM_001407652.1, NM_001407859.1, NM_007300.4 and 30 more transcripts); c.2928_2931del, p.Asn976fs (NM_001407653.1, NM_001407654.1, NM_001407655.1 and 4 more transcripts); c.2925_2928del, p.Asn975fs (NM_001407659.1, NM_001407660.1, NM_001407661.1 and 1 more transcripts); c.2865_2868del, p.Asn955fs (NM_001407692.1, NM_001407694.1, NM_001407695.1 and 29 more transcripts); and 43 more; short protein forms N1002fs, N955fs, N1001fs, N706fs, N874fs, N891fs, N914fs, N931fs.
Identifiers: ClinVar variation 266327 (VCV000266327.4), dbSNP rs886040092, ClinGen allele CA10589789.